The following is an entry in ClinVar:

ClinVar aggregate classification (germline): Benign. Review status: criteria provided, multiple submitters, no conflicts (2 of 4 stars). 2 submissions from 2 submitters: Benign (2). Last evaluated 2019-12-31.

Allele frequency attached by ClinVar (database versions not stated): ExAC 0.00618; gnomAD 0.01990 and 0.02131; ESP Exome Variant Server 0.02076; TOPMed 0.02226; 1000 Genomes Project 0.02776; 1000 Genomes Project 30x 0.03061.
gnomAD v4.1: 5,813 of 1,612,418 alleles (0.36%); highest among the groups gnomAD compares: African/African-American, 6.8%; 189 homozygotes.

Submissions (2):

Labcorp Genetics (formerly Invitae), Labcorp
Classification: Benign. Last evaluated: 2019-12-31. Review status: criteria provided, single submitter. Criteria: Invitae Variant Classification Sherloc (09022015). Collection method: clinical testing. Allele origin: germline.

Laboratory for Molecular Medicine, Mass General Brigham Personalized Medicine
Classification: Benign. Last evaluated: 2013-02-21. Review status: criteria provided, single submitter. Criteria: LMM Criteria. Collection method: clinical testing. Allele origin: germline. Observed: 1 variant allele.
Comment: 2769+4C>T in intron 22 of MUC5B: This variant is not expected to have clinical s ignificance because it has been identified in 6.2% (261/4206) of African America n chromosomes from a broad population by the NHLBI Exome Sequencing Project (dbSNP rs56252247).

NM_002458.3(MUC5B):c.2769+4C>T

Gene: MUC5B (mucin 5B, oligomeric mucus/gel-forming; plus strand). Cytogenetic location: 11p15.5.
Variant type: single nucleotide variant.
Coding change: c.2769+4C>T on transcript NM_002458.3 (MANE Select); 4 bases into the intron after coding-DNA position 2769, C replaced by T.
Molecular consequence: intron variant.
Genome position (GRCh38, 1-based): chr11:1,235,227, C>T. VCF-style: chr11-1235227-C-T. GRCh37 (hg19) VCF-style: chr11-1256457-C-T.
Identifiers: ClinVar variation 226737 (VCV000226737.8), dbSNP rs56252247, ClinGen allele CA5804787.